The following is an entry in ClinVar:

ClinVar aggregate classification (germline): Uncertain significance (1 of 4 stars; one submission).

Submission:

GeneDx
Classification: Uncertain significance. Last evaluated: 2022-11-22. Review status: criteria provided, single submitter. Criteria: GeneDx Variant Classification Process June 2021. Collection method: clinical testing. Allele origin: germline. Affected: yes.
Comment: Not observed at significant frequency in large population cohorts (gnomAD); In silico analysis supports that this missense variant has a deleterious effect on protein structure/function; Has not been previously published as pathogenic or benign to our knowledge

NM_001846.4(COL4A2):c.4780G>C (p.Glu1594Gln)

Genes: COL4A2 (collagen type IV alpha 2 chain; plus strand), COL4A2-AS1 (COL4A2 antisense RNA 1; minus strand). Cytogenetic location: 13q34.
Variant type: single nucleotide variant.
Coding change: c.4780G>C on transcript NM_001846.4 (MANE Select); coding-DNA position 4780, G replaced by C.
Protein change: p.Glu1594Gln; replaces glutamic acid 1594 with glutamine.
Molecular consequence: missense variant. On other transcripts: non-coding transcript variant (1).
Genome position (GRCh38, 1-based): chr13:110,508,120, G>C. VCF-style: chr13-110508120-G-C. GRCh37 (hg19) VCF-style: chr13-111160467-G-C.
Other names: short protein forms E1594Q.
Identifiers: ClinVar variation 2502609 (VCV002502609.1), dbSNP rs2502217758, ClinGen allele CA388741600.